The following is an entry in ClinVar:

ClinVar aggregate classification (germline): Uncertain significance (1 of 4 stars; one submission).

Submission:

GeneDx
Classification: Uncertain significance. Last evaluated: 2026-07-14. Review status: criteria provided, single submitter. Criteria: GeneDx Variant Classification Process June 2021. Collection method: clinical testing. Allele origin: germline.
Comment: Not observed at significant frequency in large population cohorts (gnomAD); In silico analysis suggests that this missense variant does not alter protein structure/function; Has not been previously published as pathogenic or benign to our knowledge

NM_015046.7(SETX):c.4763C>G (p.Ala1588Gly)

Gene: SETX (senataxin; minus strand). Cytogenetic location: 9q34.13.
Variant type: single nucleotide variant.
Coding change: c.4763C>G on transcript NM_015046.7 (MANE Select); coding-DNA position 4763, C replaced by G.
Protein change: p.Ala1588Gly; replaces alanine 1588 with glycine.
Molecular consequence: missense variant.
Genome position (GRCh38, 1-based): chr9:132,326,835, G>C on the plus strand (C>G on the coding strand, the complement: SETX is on the minus strand). VCF-style: chr9-132326835-G-C. GRCh37 (hg19) VCF-style: chr9-135202222-G-C.
Other names: c.4763C>G, p.Ala1588Gly (NM_001351527.2, NM_001351528.2); short protein forms A1588G.
Identifiers: ClinVar variation 3774217 (VCV003774217.2).
Genomic context (GRCh38, chr9:132,326,835, plus strand): 5'-GCAATTCGTGAAGTACTCTTTGAGCTAAAAATCTTAGTGGTAGGTCTCAAAGGTTTAGAT[G>C]CAGGAGGAGGCAAGCCAGGTTTACGAAATACATCTTCATCTGCTGCTTTCACTTCAGAGT-3'
Protein context (NP_055861.3, residues 1578-1598): VFRKPGLPPP[Ala1588Gly]SKPLRPTTKI